The following is an entry in ClinVar:

NM_031935.3(HMCN1):c.16564C>A (p.Pro5522Thr)

Gene: HMCN1 (hemicentin 1; plus strand). Cytogenetic location: 1q31.1.
Variant type: single nucleotide variant.
Coding change: c.16564C>A on transcript NM_031935.3 (MANE Select); coding-DNA position 16564, C replaced by A.
Protein change: p.Pro5522Thr; replaces proline 5522 with threonine.
Molecular consequence: missense variant.
Genome position (GRCh38, 1-based): chr1:186,189,534, C>A. VCF-style: chr1-186189534-C-A. GRCh37 (hg19) VCF-style: chr1-186158666-C-A.
Other names: short protein forms P5522T.
Identifiers: ClinVar variation 1930669 (VCV001930669.5), dbSNP rs2528304873, ClinGen allele CA343904539.

ClinVar aggregate classification (germline): Uncertain significance (1 of 4 stars; one submission).

Submission:

Labcorp Genetics (formerly Invitae), Labcorp
Classification: Uncertain significance. Last evaluated: 2024-11-05. Review status: criteria provided, single submitter. Criteria: Invitae Variant Classification Sherloc (09022015). Collection method: clinical testing. Allele origin: germline.
Comment: This sequence change replaces proline, which is neutral and non-polar, with threonine, which is neutral and polar, at codon 5522 of the HMCN1 protein (p.Pro5522Thr). This variant is not present in population databases (gnomAD no frequency). This variant has not been reported in the literature in individuals affected with HMCN1-related conditions. ClinVar contains an entry for this variant (Variation ID: 1930669). An algorithm developed to predict the effect of missense changes on protein structure and function (PolyPhen-2) suggests that this variant is likely to be disruptive. In summary, the available evidence is currently insufficient to determine the role of this variant in disease. Therefore, it has been classified as a Variant of Uncertain Significance.